The following is an entry in ClinVar:

NM_006118.4(HAX1):c.491G>A (p.Arg164Lys)

Gene: HAX1 (HCLS1 associated protein X-1; plus strand). Cytogenetic location: 1q21.3.
Variant type: single nucleotide variant.
Coding change: c.491G>A on transcript NM_006118.4 (MANE Select); coding-DNA position 491, G replaced by A.
Protein change: p.Arg164Lys; replaces arginine 164 with lysine.
Molecular consequence: missense variant.
Genome position (GRCh38, 1-based): chr1:154,273,948, G>A. VCF-style: chr1-154273948-G-A. GRCh37 (hg19) VCF-style: chr1-154246424-G-A.
Other names: c.347G>A, p.Arg116Lys (NM_001018837.2); short protein forms R116K, R164K.
Identifiers: ClinVar variation 4033830 (VCV004033830.1).

ClinVar aggregate classification (germline): Uncertain significance (1 of 4 stars; one submission).

Conditions:
Inborn genetic diseases. Identifiers: MedGen C0950123, MeSH D030342.

Submission:

Ambry Genetics
Classification: Uncertain significance for Inborn genetic diseases. Last evaluated: 2025-03-22. Review status: criteria provided, single submitter. Criteria: Ambry Variant Classification Scheme 2023. Collection method: clinical testing. Allele origin: germline.
Comment: The p.R164K variant (also known as c.491G>A), located in coding exon 3 of the HAX1 gene, results from a G to A substitution at nucleotide position 491. The arginine at codon 164 is replaced by lysine, an amino acid with highly similar properties. This amino acid position is conserved. In addition, this alteration is predicted to be tolerated by in silico analysis. Based on the available evidence, the clinical significance of this variant remains unclear.